The following is an entry in ClinVar:

NM_002693.3(POLG):c.3104+27G>A

Gene: POLG (DNA polymerase gamma, catalytic subunit; minus strand). Cytogenetic location: 15q26.1.
Variant type: single nucleotide variant.
Coding change: c.3104+27G>A on transcript NM_002693.3 (MANE Select); 27 bases into the intron after coding-DNA position 3104, G replaced by A.
Molecular consequence: intron variant.
Genome position (GRCh38, 1-based): chr15:89,319,201, C>T on the plus strand (G>A on the coding strand, the complement: POLG is on the minus strand). VCF-style: chr15-89319201-C-T. GRCh37 (hg19) VCF-style: chr15-89862432-C-T.
Other names: c.3104+27G>A (NM_001126131.2).
Identifiers: ClinVar variation 619476 (VCV000619476.1), dbSNP rs373628823, ClinGen allele CA7724251.

ClinVar aggregate classification (germline): Likely benign (1 of 4 stars; one submission).

Conditions:
Progressive sclerosing poliodystrophy (MTDPS4A). Also called: Alpers-Huttenlocher Syndrome (AHS); Alpers Syndrome; ALPERS PROGRESSIVE INFANTILE POLIODYSTROPHY; Mitochondrial DNA depletion syndrome 4A (Alpers type); ALPERS DIFFUSE DEGENERATION OF CEREBRAL GRAY MATTER WITH HEPATIC CIRRHOSIS; Alpers-Huttenlocher Syndrome. Identifiers: Orphanet 726, MedGen C0205710, MONDO:0008758, OMIM 203700.

Allele frequency attached by ClinVar (database versions not stated): gnomAD exomes 0.00001 and 0.00004; ExAC 0.00005; gnomAD 0.00014 and 0.00016; ESP Exome Variant Server 0.00015; TOPMed 0.00016.
gnomAD v4.1: 33 of 1,614,080 alleles (0.002%); highest among the groups gnomAD compares: African/African-American, 0.041%; no homozygotes.

Submission:

Wong Mito Lab, Molecular and Human Genetics, Baylor College of Medicine
Classification: Likely benign for Progressive sclerosing poliodystrophy. Last evaluated: 2018-10-01. Review status: criteria provided, single submitter. Criteria: ACMG Guidelines, 2015. Collection method: clinical testing. Allele origin: germline.
Comment: The NM_002693.2:c.3104+27G>A (NP_002684.1:p.=) [GRCH38: NC_000015.10:g.89319201C>T] variant in POLG gene is interpretated to be a Likely Benign based on ACMG guidelines (PMID: 25741868). This variant meets the following evidence codes reported in the ACMG-guideline. BP4:Computational evidence/predictors indicate no impact on the POLG structure, function, or protein-protein interaction. BP6:Reputable source(s) without shared data suggest the variant is benign. Based on the evidence criteria codes applied, the variant is suggested to be Likely Benign.